The following is an entry in ClinVar:

NM_004336.5(BUB1):c.2239A>G (p.Ile747Val)

Gene: BUB1 (BUB1 mitotic checkpoint serine/threonine kinase; minus strand). Cytogenetic location: 2q13.
Variant type: single nucleotide variant.
Coding change: c.2239A>G on transcript NM_004336.5 (MANE Select); coding-DNA position 2239, A replaced by G.
Protein change: p.Ile747Val; replaces isoleucine 747 with valine.
Molecular consequence: missense variant.
Genome position (GRCh38, 1-based): chr2:110,649,342, T>C on the plus strand (A>G on the coding strand, the complement: BUB1 is on the minus strand). VCF-style: chr2-110649342-T-C. GRCh37 (hg19) VCF-style: chr2-111406919-T-C.
Other names: c.2179A>G, p.Ile727Val (NM_001278616.2); c.2239A>G, p.Ile747Val (NM_001278617.2); short protein forms I727V, I747V.
Identifiers: ClinVar variation 4745379 (VCV004745379.1).

ClinVar aggregate classification (germline): Uncertain significance (1 of 4 stars; one submission).

gnomAD v4.1: 3 of 1,597,166 alleles (0.00019%); highest among the groups gnomAD compares: Non-Finnish European, 0.00026%; no homozygotes.

Submission:

Labcorp Genetics (formerly Invitae), Labcorp
Classification: Uncertain significance. Last evaluated: 2025-07-23. Review status: criteria provided, single submitter. Criteria: Invitae Variant Classification Sherloc (09022015). Collection method: clinical testing. Allele origin: germline.
Comment: This sequence change replaces isoleucine, which is neutral and non-polar, with valine, which is neutral and non-polar, at codon 747 of the BUB1 protein (p.Ile747Val). This variant is present in population databases (no rsID available, gnomAD 0.0009%). This variant has not been reported in the literature in individuals affected with BUB1-related conditions. Experimental studies and prediction algorithms are not available or were not evaluated, and the functional significance of this variant is currently unknown. In summary, the available evidence is currently insufficient to determine the role of this variant in disease. Therefore, it has been classified as a Variant of Uncertain Significance.